The following is an entry in ClinVar:

NM_031935.3(HMCN1):c.16834T>G (p.Tyr5612Asp)

Gene: HMCN1 (hemicentin 1; plus strand). Cytogenetic location: 1q31.1.
Variant type: single nucleotide variant.
Coding change: c.16834T>G on transcript NM_031935.3 (MANE Select); coding-DNA position 16834, T replaced by G.
Protein change: p.Tyr5612Asp; replaces tyrosine 5612 with aspartic acid.
Molecular consequence: missense variant.
Genome position (GRCh38, 1-based): chr1:186,189,804, T>G. VCF-style: chr1-186189804-T-G. GRCh37 (hg19) VCF-style: chr1-186158936-T-G.
Other names: short protein forms Y5612D.
Identifiers: ClinVar variation 1931262 (VCV001931262.5), dbSNP rs1245970495, ClinGen allele CA343906338.

ClinVar aggregate classification (germline): Uncertain significance (1 of 4 stars; one submission).

Allele frequency attached by ClinVar (database versions not stated): TOPMed 0.00001.
gnomAD v4.1: 32 of 1,613,816 alleles (0.002%); highest among the groups gnomAD compares: Non-Finnish European, 0.0027%; no homozygotes.

Submission:

Labcorp Genetics (formerly Invitae), Labcorp
Classification: Uncertain significance. Last evaluated: 2022-10-12. Review status: criteria provided, single submitter. Criteria: Invitae Variant Classification Sherloc (09022015). Collection method: clinical testing. Allele origin: germline.
Comment: In summary, the available evidence is currently insufficient to determine the role of this variant in disease. Therefore, it has been classified as a Variant of Uncertain Significance. Algorithms developed to predict the effect of missense changes on protein structure and function are either unavailable or do not agree on the potential impact of this missense change (SIFT: "Deleterious"; PolyPhen-2: "Probably Damaging"; Align-GVGD: "Class C0"). This variant has not been reported in the literature in individuals affected with HMCN1-related conditions. This variant is present in population databases (no rsID available, gnomAD 0.002%). This sequence change replaces tyrosine, which is neutral and polar, with aspartic acid, which is acidic and polar, at codon 5612 of the HMCN1 protein (p.Tyr5612Asp).